The following is an entry in ClinVar:

ClinVar aggregate classification (germline): Uncertain significance. Review status: criteria provided, multiple submitters, no conflicts (2 of 4 stars). 2 submissions from 2 submitters: Uncertain significance (2). Last evaluated 2025-11-26.

Allele frequency attached by ClinVar (database versions not stated): gnomAD exomes below 0.00001; gnomAD 0.00001; TOPMed 0.00001.

Submissions (2):

Ambry Genetics
Classification: Uncertain significance. Last evaluated: 2025-11-26. Review status: criteria provided, single submitter. Criteria: Ambry Variant Classification Scheme 2023. Collection method: clinical testing. Allele origin: germline.

Labcorp Genetics (formerly Invitae), Labcorp
Classification: Uncertain significance. Last evaluated: 2022-07-29. Review status: criteria provided, single submitter. Criteria: Invitae Variant Classification Sherloc (09022015). Collection method: clinical testing. Allele origin: germline.
Comment: In summary, the available evidence is currently insufficient to determine the role of this variant in disease. Therefore, it has been classified as a Variant of Uncertain Significance. Algorithms developed to predict the effect of missense changes on protein structure and function are either unavailable or do not agree on the potential impact of this missense change (SIFT: "Deleterious"; PolyPhen-2: "Probably Damaging"; Align-GVGD: "Class C0"). This variant has not been reported in the literature in individuals affected with NEK2-related conditions. This variant is present in population databases (no rsID available, gnomAD 0.01%). This sequence change replaces arginine, which is basic and polar, with glutamine, which is neutral and polar, at codon 140 of the NEK2 protein (p.Arg140Gln).

NM_002497.4(NEK2):c.419G>A (p.Arg140Gln)

Gene: NEK2 (NIMA related kinase 2; minus strand). Cytogenetic location: 1q32.3.
Variant type: single nucleotide variant.
Coding change: c.419G>A on transcript NM_002497.4 (MANE Select); coding-DNA position 419, G replaced by A.
Protein change: p.Arg140Gln; replaces arginine 140 with glutamine.
Molecular consequence: missense variant.
Genome position (GRCh38, 1-based): chr1:211,673,619, C>T on the plus strand (G>A on the coding strand, the complement: NEK2 is on the minus strand). VCF-style: chr1-211673619-C-T. GRCh37 (hg19) VCF-style: chr1-211846961-C-T.
Other names: c.419G>A, p.Arg140Gln (NM_001204182.2, NM_001204183.2); c.419G>A (NM_002497.3); short protein forms R140Q.
Identifiers: ClinVar variation 1714088 (VCV001714088.6), dbSNP rs1216643828, ClinGen allele CA344784002.